The following is an entry in ClinVar:

NM_019066.5(MAGEL2):c.1507G>T (p.Ala503Ser)

Gene: MAGEL2 (MAGE family member L2; minus strand). Cytogenetic location: 15q11.2.
Variant type: single nucleotide variant.
Coding change: c.1507G>T on transcript NM_019066.5 (MANE Select); coding-DNA position 1507, G replaced by T.
Protein change: p.Ala503Ser; replaces alanine 503 with serine.
Molecular consequence: missense variant.
Genome position (GRCh38, 1-based): chr15:23,646,236, C>A on the plus strand (G>T on the coding strand, the complement: MAGEL2 is on the minus strand). VCF-style: chr15-23646236-C-A. GRCh37 (hg19) VCF-style: chr15-23891383-C-A.
Other names: short protein forms A503S.
Identifiers: ClinVar variation 3343147 (VCV003343147.1).
Genomic context (GRCh38, chr15:23,646,236, plus strand): 5'-GTGGAGGTGGGGGTGGCAGGGCCTGCCAGAGCGGTGGCTGGGTGGCCAGGACCTGTGGGG[C>A]AGGTCGGATGGGCGGCGGCGCCTGGCGGATCAGCGGCGGGGCCTGGCGGATCACAGGTGG-3'
Protein context (NP_061939.3, residues 493-513): IRQAPPPIRP[Ala503Ser]PQVLATQPPL

ClinVar aggregate classification (germline): Uncertain significance (1 of 4 stars; one submission).

Submission:

GeneDx
Classification: Uncertain significance. Last evaluated: 2023-04-22. Review status: criteria provided, single submitter. Criteria: GeneDx Variant Classification Process June 2021. Collection method: clinical testing. Allele origin: germline. Affected: yes.
Comment: Not observed at significant frequency in large population cohorts (gnomAD); In-silico analysis is inconclusive as to whether the variant impacts protein structure/function. In the absence of functional studies, the actual effect of this sequence change is unknown; Has not been previously published as pathogenic or benign to our knowledge